The following is an entry in ClinVar:

ClinVar aggregate classification (germline): Uncertain significance (1 of 4 stars; one submission).

Conditions:
Loeys-Dietz syndrome (LDS). Identifiers: Orphanet 60030, MedGen C2697932, MONDO:0018954.

Submission:

All of Us Research Program, National Institutes of Health
Classification: Uncertain significance for Loeys-Dietz syndrome. Last evaluated: 2023-05-30. Review status: criteria provided, single submitter. Criteria: ACMG Guidelines, 2015. Collection method: clinical testing. Allele origin: germline. Inheritance: Autosomal dominant inheritance. Observed: 1 variant allele, 1 heterozygote.
Comment: This missense variant replaces isoleucine with phenylalanine at codon 417 of the TGFBR1 protein. Computational prediction suggests that this variant may not impact protein structure and function (internally defined REVEL score threshold <= 0.5, PMID: 27666373). To our knowledge, functional studies have not been reported for this variant. This variant has not been reported in individuals affected with TGFBR1-related disorders in the literature. This variant has not been identified in the general population by the Genome Aggregation Database (gnomAD). The available evidence is insufficient to determine the role of this variant in disease conclusively. Therefore, this variant is classified as a Variant of Uncertain Significance.

This study involves interpretation of variants in research participants for the purpose of population health screening. Participant phenotype was not available at the time of variant classification. Additional details can be found in publication PMID: 35346344, PMCID: PMC8962531

NM_004612.4(TGFBR1):c.1249A>T (p.Ile417Phe)

Gene: TGFBR1 (transforming growth factor beta receptor 1; plus strand). Cytogenetic location: 9q22.33.
Variant type: single nucleotide variant.
Coding change: c.1249A>T on transcript NM_004612.4 (MANE Select); coding-DNA position 1249, A replaced by T.
Protein change: p.Ile417Phe; replaces isoleucine 417 with phenylalanine.
Molecular consequence: missense variant. On other transcripts: non-coding transcript variant (1).
Genome position (GRCh38, 1-based): chr9:99,146,603, A>T. VCF-style: chr9-99146603-A-T. GRCh37 (hg19) VCF-style: chr9-101908885-A-T.
Other names: c.1018A>T, p.Ile340Phe (NM_001130916.3, NM_001407435.1); c.1261A>T, p.Ile421Phe (NM_001306210.2); c.1093A>T, p.Ile365Phe (NM_001407416.1); c.1081A>T, p.Ile361Phe (NM_001407417.1); c.1054A>T, p.Ile352Phe (NM_001407418.1, NM_001407419.1, NM_001407420.1 and 1 more transcripts); c.1042A>T, p.Ile348Phe (NM_001407423.1, NM_001407424.1, NM_001407425.1 and 8 more transcripts); c.1003A>T, p.Ile335Phe (NM_001407436.1); c.541A>T, p.Ile181Phe (NM_001407437.1); and 1 more; short protein forms I181F, I258F, I335F, I340F, I348F, I352F, I361F, I365F.
Identifiers: ClinVar variation 3071324 (VCV003071324.1), dbSNP rs764050602, ClinGen allele CA374233183.